The following is an entry in ClinVar:

ClinVar aggregate classification (germline): Uncertain significance (1 of 4 stars; one submission).

Conditions:
Hereditary cancer-predisposing syndrome. Also called: Neoplastic Syndromes, Hereditary; Tumor predisposition; Hereditary Cancer Syndrome; Hereditary neoplastic syndrome. Identifiers: Orphanet 140162, MedGen C0027672, MeSH D009386, MONDO:0015356.

Submission:

Ambry Genetics
Classification: Uncertain significance for Hereditary cancer-predisposing syndrome. Last evaluated: 2026-05-29. Review status: criteria provided, single submitter. Criteria: Ambry Variant Classification Scheme 2023. Collection method: clinical testing. Allele origin: germline.
Comment: The p.R2613G variant (also known as c.7837A>G), located in coding exon 15 of the APC gene, results from an A to G substitution at nucleotide position 7837. The arginine at codon 2613 is replaced by glycine, an amino acid with dissimilar properties. This amino acid position is highly conserved in available vertebrate species. In addition, in silico predictors for this gene do not accurately predict pathogenicity. Missense variants in APC are not a common cause of disease (Spier I et al. Genet Med. 2024 Feb;26(2):100992). Based on the available evidence, the clinical significance of this variant remains unclear.

NM_000038.6(APC):c.7837A>G (p.Arg2613Gly)

Gene: APC (APC regulator of Wnt signaling pathway; plus strand). Cytogenetic location: 5q22.2.
Variant type: single nucleotide variant.
Coding change: c.7837A>G on transcript NM_000038.6 (MANE Select); coding-DNA position 7837, A replaced by G.
Protein change: p.Arg2613Gly; replaces arginine 2613 with glycine.
Molecular consequence: missense variant. On other transcripts: non-coding transcript variant (2).
Genome position (GRCh38, 1-based): chr5:112,843,431, A>G. VCF-style: chr5-112843431-A-G. GRCh37 (hg19) VCF-style: chr5-112179128-A-G.
Other names: c.7459A>G, p.Arg2487Gly (NM_001354904.2); c.7357A>G, p.Arg2453Gly (NM_001354905.2); c.6988A>G, p.Arg2330Gly (NM_001354906.2, NM_001407470.1); c.7921A>G, p.Arg2641Gly (NM_001407446.1); c.7891A>G, p.Arg2631Gly (NM_001407447.1, NM_001407448.1, NM_001407449.1 and 1 more transcripts); c.7837A>G, p.Arg2613Gly (NM_001407450.1, NM_001354895.2, NM_001127510.3); c.7816A>G, p.Arg2606Gly (NM_001407451.1); c.7807A>G, p.Arg2603Gly (NM_001407452.1); and 11 more; short protein forms R2229G, R2330G, R2453G, R2484G, R2487G, R2512G, R2522G, R2530G.
Identifiers: ClinVar variation 4861897 (VCV004861897.1).
Genomic context (GRCh38, chr5:112,843,431, plus strand): 5'-AACTCTATTTCAGGAACCAAACAAAGTAAAGAAAACCAAGTATCCGCAAAAGGAACATGG[A>G]GAAAAATAAAAGAAAATGAATTTTCTCCCACAAATAGTACTTCTCAGACCGTTTCCTCAG-3'
Protein context (NP_000029.2, residues 2603-2623): ENQVSAKGTW[Arg2613Gly]KIKENEFSPT